The following is an entry in ClinVar:

NM_024824.5(ZC3H14):c.429C>T (p.Val143=)

Gene: ZC3H14 (zinc finger CCCH-type containing 14; plus strand). Cytogenetic location: 14q31.3.
Variant type: single nucleotide variant.
Coding change: c.429C>T on transcript NM_024824.5 (MANE Select); coding-DNA position 429, C replaced by T.
Protein change: p.Val143=; no amino-acid change (valine 143 retained).
Molecular consequence: synonymous variant. On other transcripts: 5 prime UTR variant (8), non-coding transcript variant (1).
Genome position (GRCh38, 1-based): chr14:88,572,223, C>T. VCF-style: chr14-88572223-C-T. GRCh37 (hg19) VCF-style: chr14-89038567-C-T.
Other names: c.429C>T, p.Val143= (NM_001160103.2, NM_001160104.2, NM_001326295.2 and 9 more transcripts); c.327C>T, p.Val109= (NM_001326297.2, NM_001326301.2, NM_001326303.2 and 3 more transcripts); c.-37C>T (NM_001326300.2, NM_001326302.2, NM_001326304.2 and 5 more transcripts).
Identifiers: ClinVar variation 3058481 (VCV003058481.2), dbSNP rs144937491, ClinGen allele CA7300225.

ClinVar aggregate classification (germline): Likely benign (0 of 4 stars; one submission).

Conditions:
ZC3H14-related disorder. Also called: ZC3H14-related condition.

Allele frequency attached by ClinVar (database versions not stated): ExAC 0.00002; ESP Exome Variant Server 0.00015; 1000 Genomes Project 30x 0.00016; 1000 Genomes Project 0.00020; gnomAD 0.00023; TOPMed 0.00028.
gnomAD v4.1: 61 of 1,614,042 alleles (0.0038%); highest among the groups gnomAD compares: African/African-American, 0.064%; no homozygotes.

Submission:

PreventionGenetics, part of Exact Sciences
Classification: Likely benign for ZC3H14-related condition. Last evaluated: 2020-10-23. Review status: no assertion criteria provided. Collection method: clinical testing. Allele origin: germline.
Comment: This variant is classified as likely benign based on ACMG/AMP sequence variant interpretation guidelines (Richards et al. 2015 PMID: 25741868, with internal and published modifications).